The following is an entry in ClinVar:

ClinVar aggregate classification (germline): Uncertain significance (1 of 4 stars; one submission).

Conditions:
Hypertrophic cardiomyopathy. Also called: HYPERTROPHIC MYOCARDIOPATHY. Identifiers: Orphanet 217569, MedGen C0007194, MeSH D002312, MONDO:0005045, HP:0001639.

Allele frequency attached by ClinVar (database versions not stated): ExAC 0.00001.

Submission:

Labcorp Genetics (formerly Invitae), Labcorp
Classification: Uncertain significance for Hypertrophic cardiomyopathy. Last evaluated: 2021-10-06. Review status: criteria provided, single submitter. Criteria: Invitae Variant Classification Sherloc (09022015). Collection method: clinical testing. Allele origin: germline.
Comment: This sequence change replaces phenylalanine with serine at codon 1896 of the MYH7 protein (p.Phe1896Ser). The phenylalanine residue is highly conserved and there is a large physicochemical difference between phenylalanine and serine. This variant is present in population databases (rs778562229, ExAC 0.009%). This variant has not been reported in the literature in individuals affected with MYH7-related conditions. Algorithms developed to predict the effect of missense changes on protein structure and function are either unavailable or do not agree on the potential impact of this missense change (SIFT: "Deleterious"; PolyPhen-2: "Possibly Damaging"; Align-GVGD: "Class C0"). In summary, the available evidence is currently insufficient to determine the role of this variant in disease. Therefore, it has been classified as a Variant of Uncertain Significance.

NM_000257.4(MYH7):c.5687T>C (p.Phe1896Ser)

Gene: MYH7 (myosin heavy chain 7; minus strand). Cytogenetic location: 14q11.2.
Variant type: single nucleotide variant.
Coding change: c.5687T>C on transcript NM_000257.4 (MANE Select); coding-DNA position 5687, T replaced by C.
Protein change: p.Phe1896Ser; replaces phenylalanine 1896 with serine.
Molecular consequence: missense variant.
Genome position (GRCh38, 1-based): chr14:23,413,862, A>G on the plus strand (T>C on the coding strand, the complement: MYH7 is on the minus strand). VCF-style: chr14-23413862-A-G. GRCh37 (hg19) VCF-style: chr14-23883071-A-G.
Other names: short protein forms F1896S.
Identifiers: ClinVar variation 1407821 (VCV001407821.3), dbSNP rs778562229, ClinGen allele CA047967.